The following is an entry in ClinVar:

ClinVar aggregate classification (germline): Likely pathogenic (1 of 4 stars; one submission).

Submission:

Labcorp Genetics (formerly Invitae), Labcorp
Classification: Likely pathogenic. Last evaluated: 2022-03-27. Review status: criteria provided, single submitter. Criteria: Invitae Variant Classification Sherloc (09022015). Collection method: clinical testing. Allele origin: germline.
Comment: This variant has not been reported in the literature in individuals affected with LOXHD1-related conditions. This variant is not present in population databases (gnomAD no frequency). This sequence change affects an acceptor splice site in intron 34 of the LOXHD1 gene. It is expected to disrupt RNA splicing. Variants that disrupt the donor or acceptor splice site typically lead to a loss of protein function (PMID: 16199547), and loss-of-function variants in LOXHD1 are known to be pathogenic (PMID: 19732867, 21465660, 25792669). Algorithms developed to predict the effect of sequence changes on RNA splicing suggest that this variant may disrupt the consensus splice site. In summary, the currently available evidence indicates that the variant is pathogenic, but additional data are needed to prove that conclusively. Therefore, this variant has been classified as Likely Pathogenic.

Literature cited by the submitters: PubMed 16199547; PubMed 19732867; PubMed 21465660; PubMed 25792669.

NM_001384474.1(LOXHD1):c.5518-1G>A

Gene: LOXHD1 (lipoxygenase homology PLAT domains 1; minus strand). Cytogenetic location: 18q21.1.
Variant type: single nucleotide variant.
Coding change: c.5518-1G>A on transcript NM_001384474.1 (MANE Select); the canonical splice acceptor site of the intron before coding-DNA position 5518, G replaced by A.
Molecular consequence: splice acceptor variant.
Genome position (GRCh38, 1-based): chr18:46,507,713, C>T on the plus strand (G>A on the coding strand, the complement: LOXHD1 is on the minus strand). VCF-style: chr18-46507713-C-T. GRCh37 (hg19) VCF-style: chr18-44087676-C-T.
Other names: c.2185-1G>A (NM_001145472.3); c.1897-1G>A (NM_001308013.2); c.235-1G>A (NM_001173129.2, NM_001145473.3); c.5332-1G>A (NM_144612.7).
Identifiers: ClinVar variation 1478054 (VCV001478054.6), dbSNP rs2143921132, ClinGen allele CA402368321.